The following is an entry in ClinVar:

NM_006946.4(SPTBN2):c.484-2A>G

Gene: SPTBN2 (spectrin beta, non-erythrocytic 2; minus strand). Cytogenetic location: 11q13.2.
Variant type: single nucleotide variant.
Coding change: c.484-2A>G on transcript NM_006946.4 (MANE Select); the canonical splice acceptor site of the intron before coding-DNA position 484, A replaced by G.
Molecular consequence: splice acceptor variant.
Genome position (GRCh38, 1-based): chr11:66,714,409, T>C on the plus strand (A>G on the coding strand, the complement: SPTBN2 is on the minus strand). VCF-style: chr11-66714409-T-C. GRCh37 (hg19) VCF-style: chr11-66481880-T-C.
Other names: c.484-2A>G (NM_001437541.1); c.505-2A>G (NM_001411025.1).
Identifiers: ClinVar variation 4882647 (VCV004882647.2).
Genomic context (GRCh38, chr11:66,714,409, plus strand): 5'-GCATCCTTGGCTGACTTCTTCTCCTTGTTGTCTTCTGTCTCCACACTGATGTCTTGGATC[T>C]AGGAAGGAAGCAAGCAGGGCCCTCAGTCCCTGGACAGGAACTCCTGGTGTTATCAGAGAT-3'

ClinVar aggregate classification (germline): Likely pathogenic (1 of 4 stars; one submission).

Submission:

Dasa
Classification: Likely pathogenic. Last evaluated: 2025-11-12. Review status: criteria provided, single submitter. Criteria: DASA Assertion Criteria. Collection method: clinical testing. Allele origin: germline.
Comment: NM_006946.4(SPTBN2):c.484-2A>G affects a canonical splice site and is predicted to disrupt normal RNA splicing. Loss of function is an established disease mechanism for SPTBN2-associated disorders. Also, this variant is absent from population databases. Based on the currently available evidence, this variant is classified as likely pathogenic.